The following is an entry in ClinVar:

NM_005372.1(MOS):c.467del (p.Gly156fs)

Gene: MOS (MOS proto-oncogene, serine/threonine kinase; minus strand). Cytogenetic location: 8q12.1.
Variant type: Deletion.
Coding change: c.467del on transcript NM_005372.1 (MANE Select); coding-DNA position 467, one base deleted (G; older notation c.467delG).
Protein change: p.Gly156fs; shifts the reading frame from glycine 156.
Molecular consequence: frameshift variant.
Genome position (GRCh38, 1-based): chr8:56,113,516, C deleted on the plus strand (G on the coding strand, the reverse complement: MOS is on the minus strand); the first of 2 consecutive C bases (chr8:56,113,516-56,113,517); deleting either gives the same sequence. VCF-style (leftmost placement, unchanged base first): chr8-56113515-GC-G. GRCh37 (hg19) VCF-style: chr8-57026074-GC-G.
Other names: c.467delG (NM_005372.1); short protein forms G156fs.
Identifiers: ClinVar variation 2502330 (VCV002502330.2), dbSNP rs1293467045, ClinGen allele CA853443042.

ClinVar aggregate classification (germline): Likely pathogenic. Review status: criteria provided, single submitter (1 of 4 stars). 2 submissions from 2 submitters: Likely pathogenic (1). 1 of the submissions does not count toward it.

Conditions:
Oocyte/zygote/embryo maturation arrest 20 (OZEMA20). Identifiers: MedGen C5830539, MONDO:0957278, OMIM 620383.

Submissions (2):

Juno Genomics, Hangzhou Juno Genomics, Inc
Classification: Likely pathogenic for Oocyte/zygote/embryo maturation arrest 20. Review status: criteria provided, single submitter. Criteria: ACMG Guidelines, 2015. Collection method: clinical testing. Allele origin: germline. Affected: yes.
Comment: Absent from controls (or at extremely low frequency if recessive) in Genome Aggregation Database, Exome Sequencing Project, 1000 Genomes Project, or Exome Aggregation Consortium.;Null variant in a gene where loss of function (LOF) is a known mechanism of disease.;For recessive disorders, detected in trans with a pathogenic variant.;Patient's phenotype or family history is highly specific for a disease with a single genetic etiology.

OMIM
Classification: Pathogenic for OOCYTE/ZYGOTE/EMBRYO MATURATION ARREST 20. Last evaluated: 2023-05-17. Review status: no assertion criteria provided. Collection method: literature only. Allele origin: germline. Not counted in ClinVar's aggregate classification.

Literature cited by the submitters: PubMed 34997960 (cited by OMIM).